The following is an entry in ClinVar:

ClinVar aggregate classification (germline): Uncertain significance. Review status: criteria provided, multiple submitters, no conflicts (2 of 4 stars). 2 submissions from 2 submitters: Uncertain significance (2). Last evaluated 2025-01-30.

Allele frequency attached by ClinVar (database versions not stated): gnomAD exomes 0.00002 and 0.00004; gnomAD 0.00003 and 0.00004.
gnomAD v4.1: 23 of 1,511,364 alleles (0.0015%); highest among the groups gnomAD compares: African/African-American, 0.0086%; no homozygotes.

Submissions (2):

Labcorp Genetics (formerly Invitae), Labcorp
Classification: Uncertain significance. Last evaluated: 2025-01-30. Review status: criteria provided, single submitter. Criteria: Invitae Variant Classification Sherloc (09022015). Collection method: clinical testing. Allele origin: germline.
Comment: This sequence change replaces arginine, which is basic and polar, with cysteine, which is neutral and slightly polar, at codon 1963 of the SON protein (p.Arg1963Cys). This variant is present in population databases (no rsID available, gnomAD 0.005%). This variant has not been reported in the literature in individuals affected with SON-related conditions. ClinVar contains an entry for this variant (Variation ID: 1416086). Experimental studies and prediction algorithms are not available or were not evaluated, and the functional significance of this variant is currently unknown. In summary, the available evidence is currently insufficient to determine the role of this variant in disease. Therefore, it has been classified as a Variant of Uncertain Significance.

Blueprint Genetics
Classification: Uncertain significance. Last evaluated: 2024-10-28. Review status: criteria provided, single submitter. Criteria: ACMG Guidelines, 2015. Collection method: clinical testing. Allele origin: germline.

NM_138927.4(SON):c.5887C>T (p.Arg1963Cys)

Gene: SON (SON DNA and RNA binding protein; plus strand). Cytogenetic location: 21q22.11.
Variant type: single nucleotide variant.
Coding change: c.5887C>T on transcript NM_138927.4 (MANE Select); coding-DNA position 5887, C replaced by T.
Protein change: p.Arg1963Cys; replaces arginine 1963 with cysteine.
Molecular consequence: missense variant. On other transcripts: non-coding transcript variant (1), intron variant (1).
Genome position (GRCh38, 1-based): chr21:33,555,118, C>T. VCF-style: chr21-33555118-C-T. GRCh37 (hg19) VCF-style: chr21-34927424-C-T.
Other names: c.5887C>T, p.Arg1963Cys (NM_001291411.2, NM_032195.3); c.245-2038C>T (NM_001291412.3); short protein forms R1963C.
Identifiers: ClinVar variation 1416086 (VCV001416086.9), dbSNP rs886954107, ClinGen allele CA320154776.